The following is an entry in ClinVar:

ClinVar aggregate classification (germline): Benign/Likely benign. Review status: criteria provided, multiple submitters, no conflicts (2 of 4 stars). 4 submissions from 4 submitters: Benign (2); Likely benign (2). Last evaluated 2026-07-01.

Submissions (4):

CeGaT Center for Human Genetics Tuebingen
Classification: Likely benign. Last evaluated: 2026-07-01. Review status: criteria provided, single submitter. Criteria: CeGaT Center For Human Genetics Tuebingen Variant Classification Criteria Version 2. Collection method: clinical testing. Allele origin: germline. Affected: yes. Observed: 17 variant alleles.
Comment: RNASET2: BP4, BS2

Labcorp Genetics (formerly Invitae), Labcorp
Classification: Benign. Last evaluated: 2026-01-26. Review status: criteria provided, single submitter. Criteria: Invitae Variant Classification Sherloc (09022015). Collection method: clinical testing. Allele origin: germline.

Blueprint Genetics
Classification: Likely benign. Last evaluated: 2024-11-25. Review status: criteria provided, single submitter. Criteria: ACMG Guidelines, 2015. Collection method: clinical testing. Allele origin: germline.

Women's Health and Genetics/Laboratory Corporation of America, LabCorp
Classification: Benign. Last evaluated: 2024-11-11. Review status: criteria provided, single submitter. Criteria: LabCorp Variant Classification Summary - May 2015. Collection method: clinical testing. Allele origin: germline.
Comment: Variant summary: RNASET2 c.261+3_261+5dupATT alters a nucleotide located close to a canonical splice site and therefore could affect mRNA splicing, leading to a significantly altered protein sequence. Consensus agreement among computation tools predict no significant impact on normal splicing. However, these predictions have yet to be confirmed by functional studies. The variant allele was found at a frequency of 0.0036 in 1473642 control chromosomes in the gnomAD database (v4), including 22 homozygotes. The observed variant frequency exceeds the estimated maximal expected allele frequency for a pathogenic variant in RNASET2 causing Cystic Leukoencephalopathy Without Megalencephaly phenotype. To our knowledge, no occurrence of c.261+3_261+5dupATT in individuals affected with Cystic Leukoencephalopathy Without Megalencephaly and no experimental evidence demonstrating its impact on protein function have been reported. ClinVar contains an entry for this variant (Variation ID: 493449). Based on the evidence outlined above, the variant was classified as benign.

NM_003730.6(RNASET2):c.261+3_261+5dup

Gene: RNASET2 (ribonuclease T2; minus strand). Cytogenetic location: 6q27.
Variant type: Duplication.
Coding change: c.261+3_261+5dup on transcript NM_003730.6 (MANE Select); bases 3 to 5 of the intron after coding-DNA position 261, 3 bases duplicated (ATT; older notation c.261+3_261+5dupATT).
Molecular consequence: splice donor variant.
Genome position (GRCh38, 1-based): chr6:166,946,677-166,946,679, AAT duplicated on the plus strand (ATT on the coding strand, the reverse complement: RNASET2 is on the minus strand); duplicating any 3 consecutive bases within chr6:166,946,677-166,946,680 gives the same sequence; the c. name uses the placement nearest the transcript's 3' end. VCF-style (leftmost placement, unchanged base first): chr6-166946676-C-CAAT. GRCh37 (hg19) VCF-style: chr6-167360164-C-CAAT.
Other names: c.261+3_261+5dupATT (NM_003730.6); c.261+3_261+5dup (NM_003730.4).
Identifiers: ClinVar variation 493449 (VCV000493449.54), dbSNP rs537395639, ClinGen allele CA4095095.